The following is an entry in ClinVar:

NM_000256.3(MYBPC3):c.238G>T (p.Ala80Ser)

Gene: MYBPC3 (myosin binding protein C3; minus strand). Cytogenetic location: 11p11.2.
Variant type: single nucleotide variant.
Coding change: c.238G>T on transcript NM_000256.3 (MANE Select); coding-DNA position 238, G replaced by T.
Protein change: p.Ala80Ser; replaces alanine 80 with serine.
Molecular consequence: missense variant.
Genome position (GRCh38, 1-based): chr11:47,351,293, C>A on the plus strand (G>T on the coding strand, the complement: MYBPC3 is on the minus strand). VCF-style: chr11-47351293-C-A. GRCh37 (hg19) VCF-style: chr11-47372844-C-A.
Other names: short protein forms A80S.
Identifiers: ClinVar variation 927051 (VCV000927051.15), dbSNP rs730880700, ClinGen allele CA221708620.
Genomic context (GRCh38, chr11:47,351,293, plus strand): 5'-TCTTACCTGCCTCTATGACCTTGAGGTCGAACTTGACCTTGGAGGAGCCAGCAATGACTG[C>A]GTAAGATCCCTGGTCGGCAGGGCCCACTTCCCGCACTGTCAGCGTATGCCGTGTGCCCTC-3'
Protein context (NP_000247.2, residues 70-90): EVGPADQGSY[Ala80Ser]VIAGSSKVKF

ClinVar aggregate classification (germline): Uncertain significance. Review status: criteria provided, multiple submitters, no conflicts (2 of 4 stars). 5 submissions from 5 submitters: Uncertain significance (5). Last evaluated 2024-03-06.

Conditions:
Cardiomyopathy (CMYO). Also called: Cardiomyopathies. Identifiers: Orphanet 167848, MedGen C0878544, MONDO:0004994, HP:0001638. Inheritance: Various modes of inheritance.
Cardiovascular phenotype. Identifiers: MedGen CN230736.
Hypertrophic cardiomyopathy. Also called: HYPERTROPHIC MYOCARDIOPATHY. Identifiers: Orphanet 217569, MedGen C0007194, MeSH D002312, MONDO:0005045, HP:0001639.

Allele frequency attached by ClinVar (database versions not stated): TOPMed 0.00003.
gnomAD v4.1: 6 of 1,569,720 alleles (0.00038%); highest among the groups gnomAD compares: East Asian, 0.0024%; no homozygotes.

Submissions (5):

Color Diagnostics, LLC DBA Color Health
Classification: Uncertain significance for Cardiomyopathy. Last evaluated: 2024-03-06. Review status: criteria provided, single submitter. Criteria: ACMG Guidelines, 2015. Collection method: clinical testing. Allele origin: germline.
Comment: This missense variant replaces alanine with serine at codon 80 of the MYBPC3 protein. Computational prediction suggests that this variant may not impact protein structure and function (internally defined REVEL score threshold <= 0.5, PMID: 27666373). To our knowledge, functional studies have not been reported for this variant. This variant has not been reported in individuals affected with MYBPC3-related disorders in the literature. This variant has not been identified in the general population by the Genome Aggregation Database (gnomAD). The available evidence is insufficient to determine the role of this variant in disease conclusively. Therefore, this variant is classified as a Variant of Uncertain Significance.

Labcorp Genetics (formerly Invitae), Labcorp
Classification: Uncertain significance for Hypertrophic cardiomyopathy. Last evaluated: 2024-01-13. Review status: criteria provided, single submitter. Criteria: Invitae Variant Classification Sherloc (09022015). Collection method: clinical testing. Allele origin: germline.
Comment: This sequence change replaces alanine, which is neutral and non-polar, with serine, which is neutral and polar, at codon 80 of the MYBPC3 protein (p.Ala80Ser). This variant is not present in population databases (gnomAD no frequency). This variant has not been reported in the literature in individuals affected with MYBPC3-related conditions. ClinVar contains an entry for this variant (Variation ID: 927051). An algorithm developed to predict the effect of missense changes on protein structure and function (PolyPhen-2) suggests that this variant is likely to be disruptive. In summary, the available evidence is currently insufficient to determine the role of this variant in disease. Therefore, it has been classified as a Variant of Uncertain Significance.

All of Us Research Program, National Institutes of Health
Classification: Uncertain significance for Hypertrophic cardiomyopathy. Last evaluated: 2023-11-28. Review status: criteria provided, single submitter. Criteria: ACMG Guidelines, 2015. Collection method: clinical testing. Allele origin: germline. Inheritance: Autosomal dominant inheritance. Observed: 4 variant alleles, 4 heterozygotes.
Comment: This missense variant replaces alanine with serine at codon 80 of the MYBPC3 protein. Computational prediction tools and conservation analyses are inconclusive regarding the impact of this variant on the protein function. Computational splicing tools suggest that this variant may not impact RNA splicing. To our knowledge, functional assays have not been performed for this variant nor has this variant been reported in individuals affected with cardiovascular disorders in the literature. This variant has not been identified in the general population by the Genome Aggregation Database (gnomAD). Available evidence is insufficient to determine the role of this variant in disease conclusively. Therefore, this variant is classified as a Variant of Uncertain Significance.

This study involves interpretation of variants in research participants for the purpose of population health screening. Participant phenotype was not available at the time of variant classification. Additional details can be found in publication PMID: 35346344, PMCID: PMC8962531

GeneDx
Classification: Uncertain significance. Last evaluated: 2021-05-24. Review status: criteria provided, single submitter. Criteria: GeneDx Variant Classification Process June 2021. Collection method: clinical testing. Allele origin: germline. Affected: yes.
Comment: Has not been previously published as pathogenic or benign to our knowledge; Reported in ClinVar as a variant of uncertain significance (ClinVar Variant ID# 927051; Landrum et al., 2016); Not observed at significant frequency in large population cohorts (Lek et al., 2016); In silico analysis supports that this missense variant does not alter protein structure/function

Ambry Genetics
Classification: Uncertain significance for Cardiovascular phenotype. Last evaluated: 2021-01-25. Review status: criteria provided, single submitter. Criteria: Ambry Variant Classification Scheme 2023. Collection method: clinical testing. Allele origin: germline.
Comment: The p.A80S variant (also known as c.238G>T), located in coding exon 2 of the MYBPC3 gene, results from a G to T substitution at nucleotide position 238. The alanine at codon 80 is replaced by serine, an amino acid with similar properties. This amino acid position is highly conserved in available vertebrate species; however, serine is the reference amino acid in other vertebrate species. In addition, this alteration is predicted to be tolerated by in silico analysis. Since supporting evidence is limited at this time, the clinical significance of this alteration remains unclear.